The following is an entry in ClinVar:

NM_000274.4(OAT):c.47G>A (p.Arg16His)

Gene: OAT (ornithine aminotransferase; minus strand). Cytogenetic location: 10q26.13.
Variant type: single nucleotide variant.
Coding change: c.47G>A on transcript NM_000274.4 (MANE Select); coding-DNA position 47, G replaced by A.
Protein change: p.Arg16His; replaces arginine 16 with histidine.
Molecular consequence: missense variant. On other transcripts: intron variant (2).
Genome position (GRCh38, 1-based): chr10:124,412,125, C>T on the plus strand (G>A on the coding strand, the complement: OAT is on the minus strand). VCF-style: chr10-124412125-C-T. GRCh37 (hg19) VCF-style: chr10-126100694-C-T.
Other names: c.47G>A, p.Arg16His (NM_001322965.2, NM_001322966.2, NM_001322967.2 and 4 more transcripts); c.-215-3160G>A (NM_001171814.2); c.-515-3160G>A (NM_001322974.2); short protein forms R16H.
Identifiers: ClinVar variation 2142487 (VCV002142487.3), dbSNP rs146755810, ClinGen allele CA5733625.
Genomic context (GRCh38, chr10:124,412,125, plus strand): 5'-CCTTGGACTGTTTTTTTAGTTGCAACAGATGTAGCAGAAGCCACTGAAGAATGAACTCCG[C>T]GACTAAGTACAGCAAACCTCTGCAAATGTGCTAGTTTGGAAAACATTGTGTCCTTCAAGT-3'
Protein context (NP_000265.1, residues 6-26): AHLQRFAVLS[Arg16His]GVHSSVASAT

ClinVar aggregate classification (germline): Uncertain significance. Review status: criteria provided, multiple submitters, no conflicts (2 of 4 stars). 3 submissions from 3 submitters: Uncertain significance (2). 1 of the submissions does not count toward it. Last evaluated 2024-12-03.

Conditions:
Retinal dystrophy. Also called: Inherited retinal dystrophy. Identifiers: Orphanet 71862, MedGen C0854723, MeSH D058499, MONDO:0019118, HP:0000556.
Inborn genetic diseases. Identifiers: MedGen C0950123, MeSH D030342.
Ornithine aminotransferase deficiency (GACR). Also called: HYPERORNITHINEMIA WITH GYRATE ATROPHY OF CHOROID AND RETINA; OAT DEFICIENCY; OKT DEFICIENCY; Ornithine ketoacid aminotransferase deficiency; Gyrate atrophy; Gyrate atrophy of choroid and retina. Identifiers: Orphanet 414, MedGen C0018425, MONDO:0009796, OMIM 258870.

Allele frequency attached by ClinVar (database versions not stated): ESP Exome Variant Server 0.00008.

Submissions (3):

Ambry Genetics
Classification: Uncertain significance for Inborn genetic diseases. Last evaluated: 2024-12-03. Review status: criteria provided, single submitter. Criteria: Ambry Variant Classification Scheme 2023. Collection method: clinical testing. Allele origin: germline.

Labcorp Genetics (formerly Invitae), Labcorp
Classification: Uncertain significance for Ornithine aminotransferase deficiency. Last evaluated: 2022-01-15. Review status: criteria provided, single submitter. Criteria: Invitae Variant Classification Sherloc (09022015). Collection method: clinical testing. Allele origin: germline.
Comment: This sequence change replaces arginine, which is basic and polar, with histidine, which is basic and polar, at codon 16 of the OAT protein (p.Arg16His). This variant is present in population databases (rs146755810, gnomAD 0.02%). This variant has not been reported in the literature in individuals affected with OAT-related conditions. Algorithms developed to predict the effect of missense changes on protein structure and function are either unavailable or do not agree on the potential impact of this missense change (SIFT: "Deleterious"; PolyPhen-2: "Benign"; Align-GVGD: "Class C0"). In summary, the available evidence is currently insufficient to determine the role of this variant in disease. Therefore, it has been classified as a Variant of Uncertain Significance.

Institute of Human Genetics, Univ. Regensburg, Univ. Regensburg
Classification: Uncertain significance for Retinal dystrophy. Last evaluated: 2022-01-01. Review status: no assertion criteria provided. Criteria: ACMG Guidelines, 2015. Collection method: clinical testing. Allele origin: germline. Affected: yes. Not counted in ClinVar's aggregate classification.